The following is an entry in ClinVar:

NM_001868.4(CPA1):c.953A>G (p.Tyr318Cys)

Gene: CPA1 (carboxypeptidase A1; plus strand). Cytogenetic location: 7q32.2.
Variant type: single nucleotide variant.
Coding change: c.953A>G on transcript NM_001868.4 (MANE Select); coding-DNA position 953, A replaced by G.
Protein change: p.Tyr318Cys; replaces tyrosine 318 with cysteine.
Molecular consequence: missense variant.
Genome position (GRCh38, 1-based): chr7:130,385,311, A>G. VCF-style: chr7-130385311-A-G. GRCh37 (hg19) VCF-style: chr7-130025152-A-G.
Other names: short protein forms Y318C.
Identifiers: ClinVar variation 3221854 (VCV003221854.1), dbSNP rs782810878, ClinGen allele CA4484997.

ClinVar aggregate classification (germline): Uncertain significance (1 of 4 stars; one submission).

Conditions:
Hereditary pancreatitis (PCTT). Also called: Hereditary chronic pancreatitis; PRSS1-Related Hereditary Pancreatitis. Identifiers: Orphanet 676, MedGen C0238339, MONDO:0008185, OMIM 167800.

Allele frequency attached by ClinVar (database versions not stated): ExAC 0.00001.

Submission:

Ambry Genetics
Classification: Uncertain significance for Hereditary pancreatitis. Last evaluated: 2023-11-08. Review status: criteria provided, single submitter. Criteria: Ambry Variant Classification Scheme 2023. Collection method: clinical testing. Allele origin: germline.
Comment: The p.Y318C variant (also known as c.953A>G), located in coding exon 8 of the CPA1 gene, results from an A to G substitution at nucleotide position 953. The tyrosine at codon 318 is replaced by cysteine, an amino acid with highly dissimilar properties. This amino acid position is conserved. In addition, the in silico prediction for this alteration is inconclusive. Since supporting evidence is limited at this time, the clinical significance of this alteration remains unclear.